The following is an entry in ClinVar:

NM_001378477.3(NYX):c.1022G>C (p.Trp341Ser)

Gene: NYX (nyctalopin; plus strand). Cytogenetic location: Xp11.4.
Variant type: single nucleotide variant.
Coding change: c.1022G>C on transcript NM_001378477.3 (MANE Select); coding-DNA position 1022, G replaced by C.
Protein change: p.Trp341Ser; replaces tryptophan 341 with serine.
Molecular consequence: missense variant.
Genome position (GRCh38, 1-based): chrX:41,474,490, G>C. VCF-style: chrX-41474490-G-C. GRCh37 (hg19) VCF-style: chrX-41333743-G-C.
Other names: c.1022G>C, p.Trp341Ser (NM_022567.3); short protein forms W341S.
Identifiers: ClinVar variation 4874196 (VCV004874196.2).

ClinVar aggregate classification (germline): Uncertain significance (1 of 4 stars; one submission).

Submission:

CeGaT Center for Human Genetics Tuebingen
Classification: Uncertain significance. Last evaluated: 2026-04-01. Review status: criteria provided, single submitter. Criteria: CeGaT Center For Human Genetics Tuebingen Variant Classification Criteria Version 2. Collection method: clinical testing. Allele origin: germline. Affected: yes. Observed: 1 variant allele.
Comment: NYX: PM2, PM5:Supporting, PP3, PP4